The following is an entry in ClinVar:

NM_001267550.2(TTN):c.34612+1G>A

Gene: TTN (titin; minus strand). Cytogenetic location: 2q31.2.
Variant type: single nucleotide variant.
Coding change: c.34612+1G>A on transcript NM_001267550.2 (MANE Select); the canonical splice donor site of the intron after coding-DNA position 34612, G replaced by A.
Molecular consequence: splice donor variant. On other transcripts: intron variant (3).
Genome position (GRCh38, 1-based): chr2:178,675,038, C>T on the plus strand (G>A on the coding strand, the complement: TTN is on the minus strand). VCF-style: chr2-178675038-C-T. GRCh37 (hg19) VCF-style: chr2-179539765-C-T.
Other names: c.13283-32721G>A (NM_003319.4); c.13859-32721G>A (NM_133437.4); c.13658-32721G>A (NM_133432.3); c.30709+1G>A (NM_133378.4); c.33490+1G>A (NM_001256850.1).
Identifiers: ClinVar variation 404922 (VCV000404922.21), dbSNP rs577363824, ClinGen allele CA1998034.

ClinVar aggregate classification (germline): Conflicting classifications of pathogenicity. Review status: criteria provided, conflicting classifications (1 of 4 stars). 5 submissions from 5 submitters: Pathogenic (1); Likely pathogenic (3); Uncertain significance (1). Last evaluated 2026-09-21.

Conditions:
TTN-related disorder. Also called: TTN-related disorders; TTN-related condition; TTN-related disease.
Cardiovascular phenotype. Identifiers: MedGen CN230736.
Autosomal recessive limb-girdle muscular dystrophy type 2J (LGMDR10). Also called: Limb-girdle muscular dystrophy, type 2J; MUSCULAR DYSTROPHY, LIMB-GIRDLE, AUTOSOMAL RECESSIVE 10. Identifiers: Orphanet 140922, MedGen C1837342, MONDO:0012127, OMIM 608807.
Dilated cardiomyopathy 1G (CMD1G). Identifiers: Orphanet 154, MedGen C1858763, MONDO:0011400, OMIM 604145.

Allele frequency attached by ClinVar (database versions not stated): gnomAD 0.00001; TOPMed 0.00001; ExAC 0.00002; gnomAD exomes 0.00002.
gnomAD v4.1: 24 of 1,523,594 alleles (0.0016%); highest among the groups gnomAD compares: Admixed American, 0.0022%; no homozygotes.

Submissions (5):

PreventionGenetics, part of Exact Sciences
Classification: Likely pathogenic for TTN-related condition. Last evaluated: 2026-09-21. Review status: criteria provided, single submitter. Criteria: ACMG Guidelines, 2015. Collection method: clinical testing. Allele origin: germline.
Comment: The TTN c.34612+1G>A variant is predicted to disrupt the GT donor site and interfere with normal splicing. To our knowledge, this variant has not been reported in the literature. This variant is located in the I-band region of the TTN protein. RNAseq studies from heart tissue indicate this exon is not commonly included in TTN mRNA transcripts (PSI of 20%, Roberts et al. 2015. PubMed ID: 25589632). TTN loss-of-function variants occurring in non-constitutively expressed exons (PSI < 90%) are less likely to be disease causing for TTN cardiac-related disorders (Roberts et al. 2015. PubMed ID: 25589632; Schafer et al. 2017. PubMed ID: 27869827; Akhtar et al. 2020. PubMed ID: 32964742). Many cases of recessive TTN-related myopathies in which the individual is compound heterozygous for two loss-of-function variants in TTN have also been reported (Ge et al. 2019. PubMed ID: 31053406; Oates et al. 2018. PubMed ID: 29691892; Rees et al. 2021. PubMed ID: 33449170). This variant is reported in 0.0037% of alleles in individuals of European (Non-Finnish) descent in gnomAD. In summary, this variant is likely pathogenic for autosomal recessive TTN-related congenital titinopathies. However, it is uncertain if this variant would be causative for autosomal dominant TTN-related disorders.​

Labcorp Genetics (formerly Invitae), Labcorp
Classification: Likely pathogenic for Dilated cardiomyopathy 1G; Autosomal recessive limb-girdle muscular dystrophy type 2J. Last evaluated: 2026-01-26. Review status: criteria provided, single submitter. Criteria: Invitae Variant Classification Sherloc (09022015). Collection method: clinical testing. Allele origin: germline.
Comment: This sequence change affects a donor splice site in intron 150 of the TTN gene. It is expected to disrupt RNA splicing and likely results in a truncated or disrupted TTN protein. This variant is present in population databases (rs577363824, gnomAD 0.003%). This variant has not been reported in the literature in individuals affected with TTN-related conditions. ClinVar contains an entry for this variant (Variation ID: 404922). Algorithms developed to predict the effect of sequence changes on RNA splicing suggest that this variant may disrupt the consensus splice site. This variant is located in the I band of TTN (PMID: 25589632). Truncating variants in this region have been reported in individuals affected with autosomal recessive centronuclear myopathy (PMID: 23975875, internal data). Truncating variants in this region have also been identified in individuals affected with autosomal dominant dilated cardiomyopathy and/or cardio-related conditions (PMID: 27869827, 32964742, internal data). In summary, the currently available evidence indicates that the variant is pathogenic, but additional data are needed to prove that conclusively. Therefore, this variant has been classified as Likely Pathogenic.

Molecular Diagnostic Laboratory for Inherited Cardiovascular Disease, Montreal Heart Institute
Classification: Uncertain significance for Cardiovascular phenotype. Last evaluated: 2025-04-08. Review status: criteria provided, single submitter. Criteria: ACMG Guidelines, 2015. Collection method: clinical testing. Allele origin: germline. Affected: yes.

Women's Health and Genetics/Laboratory Corporation of America, LabCorp
Classification: Likely pathogenic for Autosomal recessive limb-girdle muscular dystrophy type 2J. Last evaluated: 2025-01-16. Review status: criteria provided, single submitter. Criteria: LabCorp Variant Classification Summary - May 2015. Collection method: clinical testing. Allele origin: germline.
Comment: Variant summary: TTN NM_133378: c.30709+1G>A (also known as NM_001267550: c.34612+1G>A) is located in a canonical splice-site and is predicted to affect mRNA splicing resulting in a significantly altered protein due to either exon skipping, shortening, or inclusion of intronic material. Several computational tools predict a significant impact on normal splicing: Three predict the variant abolishes a 5' splicing donor site. However, these predictions have yet to be confirmed by functional studies. Variants that disrupt the consensus splice site are a relatively common cause of aberrant splicing and loss of TTN function. Loss of function variants in all TTN bands are strongly associated with a spectrum of autosomal recessive titinopathies when exon expression (proportion spliced in, PSI, 1=complete expression) in skeletal muscle is >0.1 (PMID: 36977548, 39198997, 29598826, 32778822, 29691892, 33449170, 36977548, internal data). In contrast, loss of function variants in all TTN bands are only strongly associated with autosomal dominant TTN-related cardiomyopathies if located in exons constitutively expressed (PSI >0.9) in cardiac muscle, excluding extreme C-terminal exons 359-363 (PMID: 25589632, 31216868, 32964742, 34662387, 27869827, Shetty et al., Nat Cardiovasc Res 2024,, internal data). This variant has a maximum skeletal muscle PSI of 0.582 and a maximum cardiac muscle PSI of 0.2. The variant allele was found at a frequency of 1.6e-05 in 185860 control chromosomes. To our knowledge, no occurrence of c.30709+1G>A in individuals affected with TTN-related conditions and no experimental evidence demonstrating its impact on protein function have been reported. However, it has been reported in at-least two control individuals of European ancestery in the UK Biobank (e.g., Choi_2020). These reports do not provide unequivocal conclusions about association of the variant with TTN-related conditions. The following publication has been ascertained in the context of this evaluation (PMID: 31691645). ClinVar contains an entry for this variant (Variation ID: 404922). Based on the evidence outline above, the variant has been classified as likely pathogenic for autosomal recessive TTN-related conditions.

Genetic Services Laboratory, University of Chicago
Classification: Pathogenic. Last evaluated: 2016-07-21. Review status: criteria provided, single submitter. Criteria: ACMG Guidelines, 2015. Collection method: clinical testing. Allele origin: germline. Affected: yes.

Literature cited by the submitters: PubMed 25589632 (cited by Labcorp Genetics (formerly Invitae), Labcorp); PubMed 23975875 (cited by Labcorp Genetics (formerly Invitae), Labcorp); PubMed 27869827 (cited by Labcorp Genetics (formerly Invitae), Labcorp); PubMed 32964742 (cited by Labcorp Genetics (formerly Invitae), Labcorp); PubMed 31691645 (cited by Women's Health and Genetics/Laboratory Corporation of America, LabCorp); PubMed 33012304 (cited by Women's Health and Genetics/Laboratory Corporation of America, LabCorp).